The following is an entry in ClinVar:

ClinVar aggregate classification (germline): Benign/Likely benign. Review status: criteria provided, multiple submitters, no conflicts (2 of 4 stars). 3 submissions from 3 submitters: Benign (1); Likely benign (2). Last evaluated 2025-11-30.

Conditions:
Hereditary cancer-predisposing syndrome. Also called: Tumor predisposition; Hereditary neoplastic syndrome; Hereditary Cancer Syndrome; Neoplastic Syndromes, Hereditary. Identifiers: Orphanet 140162, MedGen C0027672, MeSH D009386, MONDO:0015356.
Renal cell carcinoma. Identifiers: Orphanet 217071, MedGen C0007134, MeSH D002292, MONDO:0005086, HP:0005584.
Papillary renal cell carcinoma type 1 (RCCP1). Also called: RENAL CELL CARCINOMA, PAPILLARY, 1, SOMATIC; Renal adenocarcinoma; Renal cell carcinoma 1; Renal cell carcinoma, somatic. Identifiers: Orphanet 47044, MedGen C1336839, OMIM 605074, HP:0011797.

Allele frequency attached by ClinVar (database versions not stated): gnomAD exomes below 0.00001.
gnomAD v4.1: 1 of 1,614,130 alleles (0.000062%); highest among the groups gnomAD compares: Non-Finnish European, 0.000085%; no homozygotes.

Submissions (3):

Ambry Genetics
Classification: Likely benign for Hereditary cancer-predisposing syndrome. Last evaluated: 2025-11-30. Review status: criteria provided, single submitter. Criteria: Ambry Variant Classification Scheme 2023. Collection method: clinical testing. Allele origin: germline.

Myriad Genetics, Inc.
Classification: Benign for Papillary renal cell carcinoma type 1. Last evaluated: 2024-11-06. Review status: criteria provided, single submitter. Criteria: Myriad Autosomal Dominant, Autosomal Recessive and X-Linked Classification Criteria (2023). Collection method: clinical testing. Allele origin: unknown.
Comment: This variant is considered benign. This variant is a silent/synonymous amino acid change and it is not expected to impact splicing.

Labcorp Genetics (formerly Invitae), Labcorp
Classification: Likely benign for Renal cell carcinoma. Last evaluated: 2024-02-07. Review status: criteria provided, single submitter. Criteria: Invitae Variant Classification Sherloc (09022015). Collection method: clinical testing. Allele origin: germline.

NM_000245.4(MET):c.672T>C (p.Asp224=)

Gene: MET (MET proto-oncogene, receptor tyrosine kinase; plus strand). Cytogenetic location: 7q31.2.
Variant type: single nucleotide variant.
Coding change: c.672T>C on transcript NM_000245.4 (MANE Select); coding-DNA position 672, T replaced by C.
Protein change: p.Asp224=; no amino-acid change (aspartic acid 224 retained).
Molecular consequence: synonymous variant. On other transcripts: intron variant (1).
Genome position (GRCh38, 1-based): chr7:116,699,756, T>C. VCF-style: chr7-116699756-T-C. GRCh37 (hg19) VCF-style: chr7-116339810-T-C.
Other names: c.672T>C, p.Asp224= (NM_001127500.3, NM_001324401.3); c.-91+27179T>C (NM_001324402.2); c.672T>C (NM_001127500.1).
Identifiers: ClinVar variation 1675011 (VCV001675011.10), dbSNP rs2116594941, ClinGen allele CA457447835.
Genomic context (GRCh38, chr7:116,699,756, plus strand): 5'-TTATTTCCCAGATCATCCATTGCATTCGATATCAGTGAGAAGGCTAAAGGAAACGAAAGA[T>C]GGTTTTATGTTTTTGACGGACCAGTCCTACATTGATGTTTTACCTGAGTTCAGAGATTCT-3'
Protein context (NP_000236.2, residues 214-234): ISVRRLKETK[Asp224=]GFMFLTDQSY